The following is an entry in ClinVar:

ClinVar aggregate classification (germline): Conflicting classifications of pathogenicity. Review status: criteria provided, conflicting classifications (1 of 4 stars). 4 submissions from 4 submitters: Likely pathogenic (1); Uncertain significance (2). 1 of the submissions does not count toward it. Last evaluated 2024-08-23.

Conditions:
Hypokalemia. Identifiers: MedGen C0020621, HP:0002900.
SLC12A3-related disorder. Also called: SLC12A3-related condition.

gnomAD v4.1: 15 of 1,608,394 alleles (0.00093%); highest among the groups gnomAD compares: Non-Finnish European, 0.0013%; no homozygotes.

Submissions (4):

Clinical Genetics Laboratory, Skane University Hospital Lund
Classification: Likely pathogenic for Hypokalemia. Last evaluated: 2024-08-23. Review status: criteria provided, single submitter. Criteria: ACMG Guidelines, 2015. Collection method: clinical testing. Allele origin: germline. Affected: yes.
Comment: PS4, PM2, PP3

Women's Health and Genetics/Laboratory Corporation of America, LabCorp
Classification: Uncertain significance. Last evaluated: 2024-04-24. Review status: criteria provided, single submitter. Criteria: LabCorp Variant Classification Summary - May 2015. Collection method: clinical testing. Allele origin: germline.
Comment: Variant summary: SLC12A3 c.424G>T (p.Val142Leu) results in a conservative amino acid change located in the amino acid permease/ SLC12A domain (IPR004841) of the encoded protein sequence. Four of five in-silico tools predict a damaging effect of the variant on protein function. The variant allele was found at a frequency of 4.3e-06 in 234804 control chromosomes. c.424G>T has been reported in the literature in at least two compound heterozygous individuals affected with Familial Hypokalemia-Hypomagnesemia (e.g., Ashton _2018). These data indicate that the variant may be associated with disease. To our knowledge, no experimental evidence demonstrating an impact on protein function has been reported. The following publication have been ascertained in the context of this evaluation (PMID: 29398133). No submitters have cited clinical-significance assessments for this variant to ClinVar. Based on the evidence outlined above, the variant was classified as VUS-possibly pathogenic.

Blueprint Genetics
Classification: Uncertain significance. Last evaluated: 2021-11-03. Review status: criteria provided, single submitter. Criteria: ACMG Guidelines, 2015. Collection method: clinical testing. Allele origin: germline.

PreventionGenetics, part of Exact Sciences
Classification: Uncertain significance for SLC12A3-related condition. Last evaluated: 2023-11-15. Review status: no assertion criteria provided. Collection method: clinical testing. Allele origin: germline. Not counted in ClinVar's aggregate classification.
Comment: The SLC12A3 c.424G>T variant is predicted to result in the amino acid substitution p.Val142Leu. To our knowledge, this variant has not been reported in the literature. This variant is reported in 0.00095% of alleles in individuals of European (Non-Finnish) descent in gnomAD. At this time, the clinical significance of this variant is uncertain due to the absence of conclusive functional and genetic evidence.

Literature cited by the submitters: PubMed 29398133 (cited by Women's Health and Genetics/Laboratory Corporation of America, LabCorp).

NM_001126108.2(SLC12A3):c.424G>T (p.Val142Leu)

Gene: SLC12A3 (solute carrier family 12 member 3; plus strand). Cytogenetic location: 16q13.
Variant type: single nucleotide variant.
Coding change: c.424G>T on transcript NM_001126108.2 (MANE Select); coding-DNA position 424, G replaced by T.
Protein change: p.Val142Leu; replaces valine 142 with leucine.
Molecular consequence: missense variant.
Genome position (GRCh38, 1-based): chr16:56,867,211, G>T. VCF-style: chr16-56867211-G-T. GRCh37 (hg19) VCF-style: chr16-56901123-G-T.
Other names: c.424G>T, p.Val142Leu (NM_000339.3); c.421G>T, p.Val141Leu (NM_001126107.2, NM_001410896.1); short protein forms V141L, V142L.
Identifiers: ClinVar variation 3051126 (VCV003051126.5), dbSNP rs1263244811, ClinGen allele CA395979194.